The following is an entry in ClinVar:

ClinVar aggregate classification (germline): Uncertain significance (1 of 4 stars; one submission).

Conditions:
Hereditary motor and sensory neuropathy. Identifiers: MedGen C0027888, MONDO:0015358.

Submission:

MVZ Dr. Eberhard & Partner Dortmund
Classification: Uncertain significance for Hereditary motor and sensory neuropathy. Last evaluated: 2023-07-19. Review status: criteria provided, single submitter. Criteria: ACMG Guidelines, 2015. Collection method: clinical testing. Allele origin: unknown. Affected: yes. Observed: 1 hemizygote.
Comment: This variant was absent from literature, variant databases and control databases. The computational evidence is inconclusive. The gene itself can only be regared as a candidate gene for HMSN at the moment. There are only a few cases of DRP2 variants reported which are associated with a rather mild phenotype (PMID: 26227883; PMID: 29473052; PMID: 31217940).

NM_001939.3(DRP2):c.1698+5G>C

Gene: DRP2 (dystrophin related protein 2; plus strand). Cytogenetic location: Xq22.1.
Variant type: single nucleotide variant.
Coding change: c.1698+5G>C on transcript NM_001939.3 (MANE Select); 5 bases into the intron after coding-DNA position 1698, G replaced by C.
Molecular consequence: intron variant.
Genome position (GRCh38, 1-based): chrX:101,250,585, G>C. VCF-style: chrX-101250585-G-C. GRCh37 (hg19) VCF-style: chrX-100505574-G-C.
Other names: c.1464+5G>C (NM_001171184.2).
Identifiers: ClinVar variation 2775411 (VCV002775411.2), dbSNP rs2520281371, ClinGen allele CA2697544640.
Genomic context (GRCh38, chrX:101,250,585, plus strand): 5'-TGGCAGCCTTTGGGGGCAGCAATGTGGAGCCCAGTGTCCGTAGTTGCTTCCGTTTTGTGA[G>C]TATGGAACTGGGGAGTGGGGGAGGGAAGGGAGGTTGCAGGAAGGGTGGGAAGAAGGGAAG-3'